The following is an entry in ClinVar:

ClinVar aggregate classification (germline): Uncertain significance. Review status: criteria provided, multiple submitters, no conflicts (2 of 4 stars). 2 submissions from 2 submitters: Uncertain significance (2). Last evaluated 2025-09-05.

Allele frequency attached by ClinVar (database versions not stated): ExAC 0.00002; ESP Exome Variant Server 0.00008; gnomAD 0.00009; TOPMed 0.00010; gnomAD exomes 0.00013.
gnomAD v4.1: 214 of 1,613,974 alleles (0.013%); highest among the groups gnomAD compares: Non-Finnish European, 0.017%; no homozygotes.

Submissions (2):

Ambry Genetics
Classification: Uncertain significance. Last evaluated: 2025-09-05. Review status: criteria provided, single submitter. Criteria: Ambry Variant Classification Scheme 2023. Collection method: clinical testing. Allele origin: germline.

Labcorp Genetics (formerly Invitae), Labcorp
Classification: Uncertain significance. Last evaluated: 2024-06-29. Review status: criteria provided, single submitter. Criteria: Invitae Variant Classification Sherloc (09022015). Collection method: clinical testing. Allele origin: germline.
Comment: This sequence change replaces glutamic acid, which is acidic and polar, with lysine, which is basic and polar, at codon 694 of the ATP13A3 protein (p.Glu694Lys). This variant is present in population databases (rs200066307, gnomAD 0.01%). This variant has not been reported in the literature in individuals affected with ATP13A3-related conditions. ClinVar contains an entry for this variant (Variation ID: 2374858). Advanced modeling of protein sequence and biophysical properties (such as structural, functional, and spatial information, amino acid conservation, physicochemical variation, residue mobility, and thermodynamic stability) performed at Invitae indicates that this missense variant is not expected to disrupt ATP13A3 protein function with a negative predictive value of 80%. In summary, the available evidence is currently insufficient to determine the role of this variant in disease. Therefore, it has been classified as a Variant of Uncertain Significance.

NM_001367549.1(ATP13A3):c.2080G>A (p.Glu694Lys)

Gene: ATP13A3 (ATPase 13A3; minus strand). Cytogenetic location: 3q29.
Variant type: single nucleotide variant.
Coding change: c.2080G>A on transcript NM_001367549.1 (MANE Select); coding-DNA position 2080, G replaced by A.
Protein change: p.Glu694Lys; replaces glutamic acid 694 with lysine.
Molecular consequence: missense variant. On other transcripts: non-coding transcript variant (2).
Genome position (GRCh38, 1-based): chr3:194,437,135, C>T on the plus strand (G>A on the coding strand, the complement: ATP13A3 is on the minus strand). VCF-style: chr3-194437135-C-T. GRCh37 (hg19) VCF-style: chr3-194157864-C-T.
Other names: c.1999G>A, p.Glu667Lys (NM_001374836.1); c.2080G>A, p.Glu694Lys (NM_024524.4); short protein forms E694K, E667K.
Identifiers: ClinVar variation 2374858 (VCV002374858.5), dbSNP rs200066307, ClinGen allele CA2761770.